The following is an entry in ClinVar:

ClinVar aggregate classification (germline): Likely benign. Review status: criteria provided, multiple submitters, no conflicts (2 of 4 stars). 4 submissions from 4 submitters: Likely benign (4). Last evaluated 2024-11-15.

Conditions:
Inborn genetic diseases. Identifiers: MedGen C0950123, MeSH D030342.
PDE6B-related disorder. Also called: PDE6B-related disease; PDE6B-related condition; PDE6B-related disorders.

Allele frequency attached by ClinVar (database versions not stated): gnomAD 0.00002; gnomAD exomes 0.00002; TOPMed 0.00002; ExAC 0.00004; 1000 Genomes Project 30x 0.00016; 1000 Genomes Project 0.00020.
gnomAD v4.1: 29 of 1,613,812 alleles (0.0018%); highest among the groups gnomAD compares: East Asian, 0.033%; no homozygotes.

Submissions (4):

PreventionGenetics, part of Exact Sciences
Classification: Likely benign for PDE6B-related condition. Last evaluated: 2024-11-15. Review status: criteria provided, single submitter. Criteria: ACMG Guidelines, 2015. Collection method: clinical testing. Allele origin: germline.
Comment: This variant is classified as likely benign based on ACMG/AMP sequence variant interpretation guidelines (Richards et al. 2015 PMID: 25741868, with internal and published modifications).

Labcorp Genetics (formerly Invitae), Labcorp
Classification: Likely benign. Last evaluated: 2024-08-27. Review status: criteria provided, single submitter. Criteria: Invitae Variant Classification Sherloc (09022015). Collection method: clinical testing. Allele origin: germline.

Ambry Genetics
Classification: Likely benign for Inborn genetic diseases. Last evaluated: 2023-11-28. Review status: criteria provided, single submitter. Criteria: Ambry Variant Classification Scheme 2023. Collection method: clinical testing. Allele origin: germline.

Blueprint Genetics
Classification: Likely benign. Last evaluated: 2022-09-02. Review status: criteria provided, single submitter. Criteria: ACMG Guidelines, 2015. Collection method: clinical testing. Allele origin: germline.

NM_000283.4(PDE6B):c.897G>A (p.Pro299=)

Genes: PDE6B (phosphodiesterase 6B; plus strand), PDE6B-AS1 (PDE6B antisense RNA 1; minus strand). Cytogenetic location: 4p16.3.
Variant type: single nucleotide variant.
Coding change: c.897G>A on transcript NM_000283.4 (MANE Select); coding-DNA position 897, G replaced by A.
Protein change: p.Pro299=; no amino-acid change (proline 299 retained).
Molecular consequence: synonymous variant. On other transcripts: non-coding transcript variant (1), 5 prime UTR variant (1).
Genome position (GRCh38, 1-based): chr4:654,124, G>A. VCF-style: chr4-654124-G-A. GRCh37 (hg19) VCF-style: chr4-647913-G-A.
Other names: c.897G>A, p.Pro299= (NM_001145291.2); c.60G>A, p.Pro20= (NM_001145292.2, NM_001350154.3, NM_001379246.1 and 1 more transcripts); c.-144G>A (NM_001350155.3); c.897G>A (NM_000283.3).
Identifiers: ClinVar variation 2156514 (VCV002156514.7), dbSNP rs576439366, ClinGen allele CA2794166.